The following is an entry in ClinVar:

NM_000059.4(BRCA2):c.1599T>C (p.Thr533=)

Gene: BRCA2 (BRCA2 DNA repair associated; plus strand). Cytogenetic location: 13q13.1.
Variant type: single nucleotide variant.
Coding change: c.1599T>C on transcript NM_000059.4 (MANE Select); coding-DNA position 1599, T replaced by C.
Protein change: p.Thr533=; no amino-acid change (threonine 533 retained).
Molecular consequence: synonymous variant.
Genome position (GRCh38, 1-based): chr13:32,333,077, T>C. VCF-style: chr13-32333077-T-C. GRCh37 (hg19) VCF-style: chr13-32907214-T-C.
Other names: T533T.
Identifiers: ClinVar variation 51153 (VCV000051153.21), dbSNP rs80359783, ClinGen allele CA012597.

ClinVar aggregate classification (germline): Likely benign. Review status: reviewed by expert panel (3 of 4 stars). 9 submissions from 9 submitters: Likely benign (1). 8 of the submissions do not count toward it. Last evaluated 2017-06-29.

Conditions:
Hereditary breast ovarian cancer syndrome. Also called: Hereditary breast and ovarian cancer syndrome; Hereditary breast and ovarian cancer; Hereditary breast and ovarian cancer syndrome (HBOC); Breast and ovarian cancer; Hereditary breast and/or ovarian cancer syndrome; BRCA1- and BRCA2-Associated Hereditary Breast and Ovarian Cancer. Identifiers: Orphanet 145, MedGen C0677776, MeSH D061325, MONDO:0003582. Disease mechanism: loss of function.
Hereditary cancer-predisposing syndrome. Also called: Neoplastic Syndromes, Hereditary; Tumor predisposition; Hereditary Cancer Syndrome; Hereditary neoplastic syndrome. Identifiers: Orphanet 140162, MedGen C0027672, MeSH D009386, MONDO:0015356.
Breast-ovarian cancer, familial, susceptibility to, 2 (BROVCA2). Also called: BRCA2 Hereditary Breast and Ovarian Cancer. Identifiers: Orphanet 145, MedGen C2675520, MONDO:0012933, OMIM 612555. Disease mechanism: loss of function.

Allele frequency attached by ClinVar (database versions not stated): gnomAD exomes below 0.00001.
gnomAD v4.1: 2 of 1,611,712 alleles (0.00012%); highest among the groups gnomAD compares: Non-Finnish European, 0.00017%; no homozygotes.

Submissions (9):

Evidence-based Network for the Interpretation of Germline Mutant Alleles (ENIGMA)
Classification: Likely benign for Breast-ovarian cancer, familial, susceptibility to, 2. Last evaluated: 2017-06-29. Review status: reviewed by expert panel. Criteria: ENIGMA BRCA1/2 Classification Criteria (2017-06-29). Collection method: curation. Allele origin: germline.
Comment: Synonymous substitution variant, with low bioinformatic likelihood to result in a splicing aberration (Splicing prior probability 0.02).

Labcorp Genetics (formerly Invitae), Labcorp
Classification: Likely benign for Hereditary breast ovarian cancer syndrome. Last evaluated: 2025-08-11. Review status: criteria provided, single submitter. Criteria: Invitae Variant Classification Sherloc (09022015). Collection method: clinical testing. Allele origin: germline. Not counted in ClinVar's aggregate classification.

Molecular Diagnostics Laboratory, Catalan Institute of Oncology
Classification: Likely benign for Hereditary cancer-predisposing syndrome. Last evaluated: 2025-01-09. Review status: criteria provided, single submitter. Criteria: ClinGen BRCA1BRCA2 ACMG Specifications BRCA2 V1.0.0. Collection method: clinical testing. Allele origin: germline. Not counted in ClinVar's aggregate classification.
Comment: PM2_Supporting, BP1_Strong, c.1599T>C, located in exon 10 of the BRCA2 gene, is predicted to result in no amino acid change, p.(Thr533=) (BP1_Strong). It is not present in the population database gnomAD v2.1.1, non-cancer dataset (PM2_supporting). To our knowledge, neither relevant clinical data nor well-established functional studies have been reported for this variant. This variant has been reported in the ClinVar database (1x benign, 5x likely benign, 1x uncertain significance), has not been reported in LOVD, and in the BRCA Exchange database is classified as likely benign. Based on currently available information, the variant c.1599T>C should be considered a likely benign variant, according to ClinGen ENIGMA BRCA1 and BRCA2 Expert Panel Specifications to the ACMG/AMP Variant Interpretation Guidelines for BRCA2 Version 1.0.0.

All of Us Research Program, National Institutes of Health
Classification: Likely benign for Breast-ovarian cancer, familial, susceptibility to, 2. Last evaluated: 2023-08-15. Review status: criteria provided, single submitter. Criteria: ACMG Guidelines, 2015. Collection method: clinical testing. Allele origin: germline. Inheritance: Autosomal dominant inheritance. Observed: 1 variant allele, 1 heterozygote. Not counted in ClinVar's aggregate classification.
Comment: This study involves interpretation of variants in research participants for the purpose of population health screening. Participant phenotype was not available at the time of variant classification. Additional details can be found in publication PMID: 35346344, PMCID: PMC8962531

Quest Diagnostics Nichols Institute San Juan Capistrano
Classification: Likely benign. Last evaluated: 2022-12-07. Review status: criteria provided, single submitter. Criteria: Quest Diagnostics criteria. Collection method: clinical testing. Allele origin: unknown. Not counted in ClinVar's aggregate classification.

Color Diagnostics, LLC DBA Color Health
Classification: Likely benign for Hereditary cancer-predisposing syndrome. Last evaluated: 2020-01-06. Review status: criteria provided, single submitter. Criteria: ACMG Guidelines, 2015. Collection method: clinical testing. Allele origin: germline. Not counted in ClinVar's aggregate classification.

GeneDx
Classification: Likely benign. Last evaluated: 2017-06-30. Review status: criteria provided, single submitter. Criteria: GeneDx Variant Classification (06012015). Collection method: clinical testing. Allele origin: germline. Affected: yes. Not counted in ClinVar's aggregate classification.
Comment: This variant is considered likely benign or benign based on one or more of the following criteria: it is a conservative change, it occurs at a poorly conserved position in the protein, it is predicted to be benign by multiple in silico algorithms, and/or has population frequency not consistent with disease.

Ambry Genetics
Classification: Likely benign for Hereditary cancer-predisposing syndrome. Last evaluated: 2015-11-06. Review status: criteria provided, single submitter. Criteria: Ambry Variant Classification Scheme 2023. Collection method: clinical testing. Allele origin: germline. Not counted in ClinVar's aggregate classification.

Breast Cancer Information Core (BIC) (BRCA2)
Classification: Uncertain significance for Breast-ovarian cancer, familial 2. Last evaluated: 2003-01-24. Review status: no assertion criteria provided. Collection method: clinical testing. Allele origin: germline. Affected: yes. Observed: 1 variant allele. Not counted in ClinVar's aggregate classification.